The following is an entry in ClinVar:

ClinVar aggregate classification (germline): Uncertain significance (1 of 4 stars; one submission).

Conditions:
Frontotemporal dementia and/or amyotrophic lateral sclerosis 1 (FTDALS1). Also called: C9orf72 Frontotemporal Dementia and/or Amyotrophic Lateral Sclerosis; Frontotemporal dementia with motor neuron disease 1. Identifiers: Orphanet 275872, MedGen C5779877, MONDO:0007105, OMIM 105550.
Paget disease of bone 2, early-onset (PDB2). Also called: Paget disease of bone 2. Identifiers: MedGen C4085251, MONDO:0011183, OMIM 602080.

Submission:

Labcorp Genetics (formerly Invitae), Labcorp
Classification: Uncertain significance for Paget disease of bone 2, early-onset; Frontotemporal dementia and/or amyotrophic lateral sclerosis 1. Last evaluated: 2024-10-24. Review status: criteria provided, single submitter. Criteria: Invitae Variant Classification Sherloc (09022015). Collection method: clinical testing. Allele origin: germline.
Comment: This sequence change replaces arginine, which is basic and polar, with tryptophan, which is neutral and slightly polar, at codon 46 of the SQSTM1 protein (p.Arg46Trp). This variant is not present in population databases (gnomAD no frequency). This variant has not been reported in the literature in individuals affected with SQSTM1-related conditions. Invitae Evidence Modeling of protein sequence and biophysical properties (such as structural, functional, and spatial information, amino acid conservation, physicochemical variation, residue mobility, and thermodynamic stability) indicates that this missense variant is not expected to disrupt SQSTM1 protein function with a negative predictive value of 80%. In summary, the available evidence is currently insufficient to determine the role of this variant in disease. Therefore, it has been classified as a Variant of Uncertain Significance.

NM_003900.5(SQSTM1):c.136C>T (p.Arg46Trp)

Genes: SQSTM1 (sequestosome 1; plus strand), LOC129995449 (ATAC-STARR-seq lymphoblastoid silent region 16749; plus strand). Cytogenetic location: 5q35.3.
Variant type: single nucleotide variant.
Coding change: c.136C>T on transcript NM_003900.5 (MANE Select); coding-DNA position 136, C replaced by T.
Protein change: p.Arg46Trp; replaces arginine 46 with tryptophan.
Molecular consequence: missense variant. On other transcripts: intron variant (2).
Genome position (GRCh38, 1-based): chr5:179,821,072, C>T. VCF-style: chr5-179821072-C-T. GRCh37 (hg19) VCF-style: chr5-179248072-C-T.
Other names: c.-47-1886C>T (NM_001142298.2, NM_001142299.2); short protein forms R46W.
Identifiers: ClinVar variation 2943695 (VCV002943695.3), dbSNP rs1292351826, ClinGen allele CA362442436.